The following is an entry in ClinVar:

ClinVar aggregate classification (germline): Likely benign. Review status: criteria provided, multiple submitters, no conflicts (2 of 4 stars). 3 submissions from 3 submitters: Likely benign (2). 1 of the submissions does not count toward it. Last evaluated 2025-12-09.

Conditions:
RASopathy. Also called: rasopathies; Noonan spectrum disorder. Identifiers: Orphanet 536391, MedGen C5555857, MONDO:0021060.
RAF1-related disorder. Also called: RAF1-related condition; RAF1-related disorders.

Allele frequency attached by ClinVar (database versions not stated): ExAC 0.00001; gnomAD 0.00001; gnomAD exomes 0.00001.
gnomAD v4.1: 14 of 1,614,018 alleles (0.00087%); highest among the groups gnomAD compares: South Asian, 0.0055%; no homozygotes.

Submissions (3):

Labcorp Genetics (formerly Invitae), Labcorp
Classification: Likely benign for RASopathy. Last evaluated: 2025-12-09. Review status: criteria provided, single submitter. Criteria: Invitae Variant Classification Sherloc (09022015). Collection method: clinical testing. Allele origin: germline.

Blueprint Genetics
Classification: Likely benign. Last evaluated: 2024-07-03. Review status: criteria provided, single submitter. Criteria: ACMG Guidelines, 2015. Collection method: clinical testing. Allele origin: germline.

PreventionGenetics, part of Exact Sciences
Classification: Likely benign for RAF1-related condition. Last evaluated: 2023-10-23. Review status: no assertion criteria provided. Collection method: clinical testing. Allele origin: germline. Not counted in ClinVar's aggregate classification.
Comment: This variant is classified as likely benign based on ACMG/AMP sequence variant interpretation guidelines (Richards et al. 2015 PMID: 25741868, with internal and published modifications).

NM_002880.4(RAF1):c.771G>A (p.Ser257=)

Gene: RAF1 (Raf-1 proto-oncogene, serine/threonine kinase; minus strand). Cytogenetic location: 3p25.2.
Variant type: single nucleotide variant.
Coding change: c.771G>A on transcript NM_002880.4 (MANE Select); coding-DNA position 771, G replaced by A.
Protein change: p.Ser257=; no amino-acid change (serine 257 retained).
Molecular consequence: synonymous variant. On other transcripts: non-coding transcript variant (3).
Genome position (GRCh38, 1-based): chr3:12,604,199, C>T on the plus strand (G>A on the coding strand, the complement: RAF1 is on the minus strand). VCF-style: chr3-12604199-C-T. GRCh37 (hg19) VCF-style: chr3-12645698-C-T.
Other names: c.771G>A, p.Ser257= (NM_001354689.3, NM_001354690.3); c.528G>A, p.Ser176= (NM_001354691.3, NM_001354692.3, NM_001354694.3); c.672G>A, p.Ser224= (NM_001354693.3); c.429G>A, p.Ser143= (NM_001354695.3); c.771G>A (NM_002880.3).
Identifiers: ClinVar variation 1112676 (VCV001112676.12), dbSNP rs764065991, ClinGen allele CA2259698.